The following is an entry in ClinVar:

NM_001080413.3(NOBOX):c.210+7G>C

Gene: NOBOX (NOBOX oogenesis homeobox; minus strand). Cytogenetic location: 7q35.
Variant type: single nucleotide variant.
Coding change: c.210+7G>C on transcript NM_001080413.3; 7 bases into the intron after coding-DNA position 210, G replaced by C.
Genome position (GRCh38, 1-based): chr7:144,404,549, C>G on the plus strand (G>C on the coding strand, the complement: NOBOX is on the minus strand). VCF-style: chr7-144404549-C-G. GRCh37 (hg19) VCF-style: chr7-144101642-C-G.
Other names: NM_001080413.3:c.210+7G>C.
Identifiers: ClinVar variation 908330 (VCV000908330.4), dbSNP rs371511426, ClinGen allele CA4544918.
Genomic context (GRCh38, chr7:144,404,549, plus strand): 5'-TCTGCCCGCCTGGGCTTCCCAAACTGCTGGAATTACAGGCGTGAGCCACAGCGCTCGCCC[C>G]CCGTACTGATTTGAGGGTCTCCAGAGCACAAAGGCTGCACCGGATGATGAAGAAGGAGCT-3'

ClinVar aggregate classification (germline): Likely benign (1 of 4 stars; one submission).

Conditions:
Premature ovarian failure 5 (POF5). Identifiers: MedGen C1969060, MONDO:0012689, OMIM 611548.

Allele frequency attached by ClinVar (database versions not stated): gnomAD exomes 0.00015 and 0.00023; gnomAD 0.00006 and 0.00008; 1000 Genomes Project 30x 0.00016; ESP Exome Variant Server 0.00017; 1000 Genomes Project 0.00020; ExAC 0.00027; TOPMed 0.00006.
gnomAD v4.1: 225 of 1,612,938 alleles (0.014%); highest among the groups gnomAD compares: South Asian, 0.16%; 1 homozygote.

Submission:

Illumina Laboratory Services, Illumina
Classification: Likely benign for Premature ovarian failure 5. Last evaluated: 2018-01-12. Review status: criteria provided, single submitter. Criteria: ICSL Variant Classification Criteria 13 December 2019. Collection method: clinical testing. Allele origin: germline.
Comment: This variant was observed in the ICSL laboratory as part of a predisposition screen in an ostensibly healthy population. It had not been previously curated by ICSL or reported in the Human Gene Mutation Database (HGMD: prior to June 1st, 2018), and was therefore a candidate for classification through an automated scoring system. Utilizing variant allele frequency, disease prevalence and penetrance estimates, and inheritance mode, an automated score was calculated to assess if this variant is too frequent to cause the disease. Based on the score and internal cut-off values, a variant classified as likely benign is not then subjected to further curation. The score for this variant resulted in a classification of likely benign for this disease.